The following is an entry in ClinVar:

NM_152564.5(VPS13B):c.6558T>G (p.Thr2186=)

Gene: VPS13B (vacuolar protein sorting 13 homolog B; plus strand). Cytogenetic location: 8q22.2.
Variant type: single nucleotide variant.
Coding change: c.6558T>G on transcript NM_152564.5 (MANE Select); coding-DNA position 6558, T replaced by G.
Protein change: p.Thr2186=; no amino-acid change (threonine 2186 retained).
Molecular consequence: synonymous variant.
Genome position (GRCh38, 1-based): chr8:99,717,274, T>G. VCF-style: chr8-99717274-T-G. GRCh37 (hg19) VCF-style: chr8-100729502-T-G.
Other names: c.6633T>G, p.Thr2211= (NM_017890.5); c.6558T>G (NM_152564.4).
Identifiers: ClinVar variation 1571239 (VCV001571239.9), dbSNP rs779788114, ClinGen allele CA4824028.
Genomic context (GRCh38, chr8:99,717,274, plus strand): 5'-TCTCCTTAAAACAAGTCTCAAAGAAAGAAGCCGCATTCTGATAGGACCATGTTGTGCTAC[T>G]GCCAATCTGGAAGCTAAGTGGTGTAAACACAGCGGGAATCCAGGCCCAGAACAATCCATA-3'
Protein context (NP_689777.3, residues 2176-2196): SRILIGPCCA[Thr2186=]ANLEAKWCKH

ClinVar aggregate classification (germline): Likely benign. Review status: criteria provided, multiple submitters, no conflicts (2 of 4 stars). 2 submissions from 2 submitters: Likely benign (2). Last evaluated 2025-05-21.

Conditions:
Cohen syndrome (COH1). Also called: Cutis verticis gyrata, retinitis pigmentosa, and sensorineural deafness; PEPPER SYNDROME. Identifiers: Orphanet 193, MedGen C0265223, MONDO:0008999, OMIM 216550.
VPS13B-related disorder. Also called: VPS13B-related condition.

Allele frequency attached by ClinVar (database versions not stated): gnomAD exomes below 0.00001; ExAC 0.00001; gnomAD 0.00001.
gnomAD v4.1: 2 of 1,614,004 alleles (0.00012%); highest among the groups gnomAD compares: Admixed American, 0.0017%; no homozygotes.

Submissions (2):

PreventionGenetics, part of Exact Sciences
Classification: Likely benign for VPS13B-related condition. Last evaluated: 2025-05-21. Review status: criteria provided, single submitter. Criteria: ACMG Guidelines, 2015. Collection method: clinical testing. Allele origin: germline.
Comment: This variant is classified as likely benign based on ACMG/AMP sequence variant interpretation guidelines (Richards et al. 2015 PMID: 25741868, with internal and published modifications).

Labcorp Genetics (formerly Invitae), Labcorp
Classification: Likely benign for Cohen syndrome. Last evaluated: 2022-11-22. Review status: criteria provided, single submitter. Criteria: Invitae Variant Classification Sherloc (09022015). Collection method: clinical testing. Allele origin: germline.